The following is an entry in ClinVar:

ClinVar aggregate classification (germline): Uncertain significance (1 of 4 stars; one submission).

Conditions:
Tuberous sclerosis syndrome (TSC). Also called: Tuberous sclerosis; Tuberous Sclerosis Complex. Identifiers: Orphanet 805, MedGen C0041341, MONDO:0001734.

Submission:

All of Us Research Program, National Institutes of Health
Classification: Uncertain significance for Tuberous sclerosis syndrome. Last evaluated: 2023-04-03. Review status: criteria provided, single submitter. Criteria: ACMG Guidelines, 2015. Collection method: clinical testing. Allele origin: germline. Inheritance: Autosomal dominant inheritance. Observed: 1 variant allele, 1 heterozygote.
Comment: This missense variant replaces arginine with leucine at codon 1713 of the TSC2 protein. Computational prediction suggests that this variant may have deleterious impact on protein structure and function (internally defined REVEL score threshold >= 0.7, PMID: 27666373). To our knowledge, functional studies have not been reported for this variant. This variant has not been reported in individuals affected with TSC2-related disorders in the literature. This variant has not been identified in the general population by the Genome Aggregation Database (gnomAD). The available evidence is insufficient to determine the role of this variant in disease conclusively. Therefore, this variant is classified as a Variant of Uncertain Significance.

This study involves interpretation of variants in research participants for the purpose of population health screening. Participant phenotype was not available at the time of variant classification. Additional details can be found in publication PMID: 35346344, PMCID: PMC8962531

NM_000548.5(TSC2):c.5138G>T (p.Arg1713Leu)

Gene: TSC2 (TSC complex subunit 2; plus strand). Cytogenetic location: 16p13.3.
Variant type: single nucleotide variant.
Coding change: c.5138G>T on transcript NM_000548.5 (MANE Select); coding-DNA position 5138, G replaced by T.
Protein change: p.Arg1713Leu; replaces arginine 1713 with leucine.
Molecular consequence: missense variant. On other transcripts: non-coding transcript variant (5).
Genome position (GRCh38, 1-based): chr16:2,088,117, G>T. VCF-style: chr16-2088117-G-T. GRCh37 (hg19) VCF-style: chr16-2138118-G-T.
Other names: c.4478G>T, p.Arg1493Leu (NM_001406681.1); c.4469G>T, p.Arg1490Leu (NM_001406682.1, NM_001406683.1); c.4466G>T, p.Arg1489Leu (NM_001406684.1); c.4340G>T, p.Arg1447Leu (NM_001406685.1, NM_001406686.1); c.4337G>T, p.Arg1446Leu (NM_001406687.1, NM_001406688.1); c.3725G>T, p.Arg1242Leu (NM_001406689.1); c.3665G>T, p.Arg1222Leu (NM_001406690.1); c.3662G>T, p.Arg1221Leu (NM_001406691.1); and 26 more; short protein forms R1112L, R1198L, R1199L, R1221L, R1222L, R1242L, R1446L, R1447L.
Identifiers: ClinVar variation 3070142 (VCV003070142.1), dbSNP rs45517395, ClinGen allele CA394312517.
Genomic context (GRCh38, chr16:2,088,117, plus strand): 5'-GCCTTGTGGACACCAGCGTGGCCAAGATCGTGTCTGACCGCAACCTGCCCTTCGTGGCCC[G>T]CCAGATGGCCCTGCACGCAAATGTGAGTGGGGGTGGGTCCAGGCGTGAGCTGGTGGGACA-3'
Protein context (NP_000539.2, residues 1703-1723): VSDRNLPFVA[Arg1713Leu]QMALHANMAS